The following is an entry in ClinVar:

ClinVar aggregate classification (germline): Uncertain significance (1 of 4 stars; one submission).

Conditions:
Fanconi anemia complementation group O. Also called: RAD51C-Related Fanconi Anemia. Identifiers: Orphanet 84, MedGen C3150653, MONDO:0013248, OMIM 613390.

Submission:

Labcorp Genetics (formerly Invitae), Labcorp
Classification: Uncertain significance for Fanconi anemia complementation group O. Last evaluated: 2017-10-05. Review status: criteria provided, single submitter. Criteria: Invitae Variant Classification Sherloc (09022015). Collection method: clinical testing. Allele origin: germline.
Comment: This variant is a gross duplication of the genomic region encompassing exons 1-7 of the RAD51C gene. The 5' end of this event is unknown as it extends beyond the assayed region for this gene and therefore may encompass additional genes. The 3' boundary is likely confined to intron 7 of the RAD51C gene. The exact location of this variant in the genome is unknown. In summary, the exact location of the duplicated exons is unknown and the available evidence is currently insufficient to determine the role of this variant in disease. Therefore, it has been classified as a Variant of Uncertain Significance.

Literature cited by the submitters: PubMed 28802053.

NC_000017.10:g.(?_56769999)_(56801467_?)dup

Genes: RAD51C (RAD51 paralog C; plus strand), LOC129390903 (MPRA-validated peak2919 silencer; plus strand), LOC130061310 (ATAC-STARR-seq lymphoblastoid active region 12491; plus strand), LOC130061311 (ATAC-STARR-seq lymphoblastoid active region 12492; plus strand). Cytogenetic location: 17q22.
Variant type: Duplication.
Identifiers: ClinVar variation 538799 (VCV000538799.1).